The following is an entry in ClinVar:

ClinVar aggregate classification (germline): Uncertain significance (1 of 4 stars; one submission).

Conditions:
Nemaline myopathy 2 (NEM2). Also called: Nemaline myopathy 2, autosomal recessive. Identifiers: MedGen C1850569, MONDO:0009725, OMIM 256030.

gnomAD v4.1: 2 of 1,613,546 alleles (0.00012%); highest among the groups gnomAD compares: East Asian, 0.0022%; no homozygotes.

Submission:

Labcorp Genetics (formerly Invitae), Labcorp
Classification: Uncertain significance for Nemaline myopathy 2. Last evaluated: 2022-09-13. Review status: criteria provided, single submitter. Criteria: Invitae Variant Classification Sherloc (09022015). Collection method: clinical testing. Allele origin: germline.
Comment: This sequence change creates a premature translational stop signal (p.Gln8489*) in the NEB gene. While this is not anticipated to result in nonsense mediated decay, it is expected to disrupt the last 72 amino acid(s) of the NEB protein. This variant is not present in population databases (gnomAD no frequency). This variant has not been reported in the literature in individuals affected with NEB-related conditions. Experimental studies and prediction algorithms are not available or were not evaluated, and the functional significance of this variant is currently unknown. This variant disrupts a region of the NEB protein in which other variant(s) (p.Asp8518His) have been observed in individuals with NEB-related conditions (Invitae). This suggests that this is a clinically significant region of the protein, and that variants that disrupt it are likely to be disease-causing. In summary, the available evidence is currently insufficient to determine the role of this variant in disease. Therefore, it has been classified as a Variant of Uncertain Significance.

NM_001164508.2(NEB):c.25360C>T (p.Gln8454Ter)

Genes: NEB (nebulin; minus strand), RIF1 (replication timing regulatory factor 1; plus strand). Cytogenetic location: 2q23.3.
Variant type: single nucleotide variant.
Coding change: c.25360C>T on transcript NM_001164508.2 (MANE Select); coding-DNA position 25360, C replaced by T.
Protein change: p.Gln8454Ter; replaces glutamine 8454 with a stop codon.
Molecular consequence: nonsense.
Genome position (GRCh38, 1-based): chr2:151,490,015, G>A on the plus strand (C>T on the coding strand, the complement: NEB is on the minus strand). VCF-style: chr2-151490015-G-A. GRCh37 (hg19) VCF-style: chr2-152346529-G-A.
Other names: c.25360C>T, p.Gln8454Ter (NM_001164507.2); c.25465C>T, p.Gln8489Ter (NM_001271208.2); c.19792C>T, p.Gln6598Ter (NM_004543.5); short protein forms Q6598*, Q8454*, Q8489*.
Identifiers: ClinVar variation 2172261 (VCV002172261.1), dbSNP rs764892870, ClinGen allele CA348770754.